The following is an entry in ClinVar:

ClinVar aggregate classification (germline): Uncertain significance (1 of 4 stars; one submission).

Conditions:
GM3 synthase deficiency (SPDRS). Also called: SALT AND PEPPER MENTAL RETARDATION SYNDROME; SALT AND PEPPER DEVELOPMENTAL REGRESSION SYNDROME; AMISH INFANTILE EPILEPSY SYNDROME. Identifiers: Orphanet 171714, Orphanet 370933, MedGen C1836824, MONDO:0018274, OMIM 609056.

Allele frequency attached by ClinVar (database versions not stated): TOPMed 0.00006; ESP Exome Variant Server 0.00023.
gnomAD v4.1: 121 of 1,614,070 alleles (0.0075%); highest among the groups gnomAD compares: Admixed American, 0.01%; no homozygotes.

Submission:

Labcorp Genetics (formerly Invitae), Labcorp
Classification: Uncertain significance for GM3 synthase deficiency. Last evaluated: 2022-08-16. Review status: criteria provided, single submitter. Criteria: Invitae Variant Classification Sherloc (09022015). Collection method: clinical testing. Allele origin: germline.
Comment: This sequence change replaces arginine, which is basic and polar, with histidine, which is basic and polar, at codon 121 of the ST3GAL5 protein (p.Arg121His). This variant is present in population databases (rs144154879, gnomAD 0.02%). This variant has not been reported in the literature in individuals affected with ST3GAL5-related conditions. ClinVar contains an entry for this variant (Variation ID: 581501). Algorithms developed to predict the effect of missense changes on protein structure and function (SIFT, PolyPhen-2, Align-GVGD) all suggest that this variant is likely to be disruptive. In summary, the available evidence is currently insufficient to determine the role of this variant in disease. Therefore, it has been classified as a Variant of Uncertain Significance.

NM_003896.4(ST3GAL5):c.362G>A (p.Arg121His)

Gene: ST3GAL5 (ST3 beta-galactoside alpha-2,3-sialyltransferase 5; minus strand). Cytogenetic location: 2p11.2.
Variant type: single nucleotide variant.
Coding change: c.362G>A on transcript NM_003896.4 (MANE Select); coding-DNA position 362, G replaced by A.
Protein change: p.Arg121His; replaces arginine 121 with histidine.
Molecular consequence: missense variant. On other transcripts: 5 prime UTR variant (7).
Genome position (GRCh38, 1-based): chr2:85,848,161, C>T on the plus strand (G>A on the coding strand, the complement: ST3GAL5 is on the minus strand). VCF-style: chr2-85848161-C-T. GRCh37 (hg19) VCF-style: chr2-86075284-C-T.
Other names: c.293G>A, p.Arg98His (NM_001042437.2); c.-23G>A (NM_001354223.2, NM_001354224.2, NM_001354226.2 and 3 more transcripts); c.278G>A, p.Arg93His (NM_001354227.2, NM_001354229.2, NM_001354238.1); c.-543G>A (NM_001354247.1); c.362G>A, p.Arg121His (NM_001363847.1); short protein forms R121H, R98H, R93H.
Identifiers: ClinVar variation 581501 (VCV000581501.6), dbSNP rs144154879, ClinGen allele CA1745054.
Genomic context (GRCh38, chr2:85,848,161, plus strand): 5'-AAGTCCACGCTATACCTGTGCTCAAATAACAGCGCCATTGATGTCTTGGCAAACTTGGGA[C>T]GACATTCCTTCTGCAAGACTTGCTGAGCATATTTCTGAGCTCTCTGGAATGAAATCACAC-3'
Protein context (NP_003887.3, residues 111-131): YAQQVLQKEC[Arg121His]PKFAKTSMAL